The following is an entry in ClinVar:

ClinVar aggregate classification (germline): Uncertain significance (1 of 4 stars; one submission).

Conditions:
Hypertrophic cardiomyopathy. Also called: HYPERTROPHIC MYOCARDIOPATHY. Identifiers: Orphanet 217569, MedGen C0007194, MeSH D002312, MONDO:0005045, HP:0001639.

Submission:

Labcorp Genetics (formerly Invitae), Labcorp
Classification: Uncertain significance for Hypertrophic cardiomyopathy. Last evaluated: 2021-04-06. Review status: criteria provided, single submitter. Criteria: Invitae Variant Classification Sherloc (09022015). Collection method: clinical testing. Allele origin: germline.
Comment: Algorithms developed to predict the effect of missense changes on protein structure and function (SIFT, PolyPhen-2, Align-GVGD) all suggest that this variant is likely to be disruptive, but these predictions have not been confirmed by published functional studies and their clinical significance is uncertain. In summary, the available evidence is currently insufficient to determine the role of this variant in disease. Therefore, it has been classified as a Variant of Uncertain Significance. This variant has not been reported in the literature in individuals with MYBPC3-related conditions. This variant is not present in population databases (ExAC no frequency). This sequence change replaces valine with leucine at codon 849 of the MYBPC3 protein (p.Val849Leu). The valine residue is highly conserved and there is a small physicochemical difference between valine and leucine.

NM_000256.3(MYBPC3):c.2545G>C (p.Val849Leu)

Gene: MYBPC3 (myosin binding protein C3; minus strand). Cytogenetic location: 11p11.2.
Variant type: single nucleotide variant.
Coding change: c.2545G>C on transcript NM_000256.3 (MANE Select); coding-DNA position 2545, G replaced by C.
Protein change: p.Val849Leu; replaces valine 849 with leucine.
Molecular consequence: missense variant.
Genome position (GRCh38, 1-based): chr11:47,337,448, C>G on the plus strand (G>C on the coding strand, the complement: MYBPC3 is on the minus strand). VCF-style: chr11-47337448-C-G. GRCh37 (hg19) VCF-style: chr11-47358999-C-G.
Other names: short protein forms V849L.
Identifiers: ClinVar variation 1430800 (VCV001430800.8), dbSNP rs1434265977, ClinGen allele CA380318158.